The following is an entry in ClinVar:

NM_012188.5(FOXI1):c.573G>A (p.Pro191=)

Gene: FOXI1 (forkhead box I1; plus strand). Cytogenetic location: 5q35.1.
Variant type: single nucleotide variant.
Coding change: c.573G>A on transcript NM_012188.5 (MANE Select); coding-DNA position 573, G replaced by A.
Protein change: p.Pro191=; no amino-acid change (proline 191 retained).
Molecular consequence: synonymous variant.
Genome position (GRCh38, 1-based): chr5:170,106,530, G>A. VCF-style: chr5-170106530-G-A. GRCh37 (hg19) VCF-style: chr5-169533534-G-A.
Other names: c.573G>A, p.Pro191= (NM_144769.4).
Identifiers: ClinVar variation 2428371 (VCV002428371.6), dbSNP rs200309754, ClinGen allele CA3555050.
Genomic context (GRCh38, chr5:170,106,530, plus strand): 5'-CCGCCACAACCTGTCGCTCAACGACTGCTTCAAGAAGGTGCCCCGCGACGAGGACGACCC[G>A]GGTAAGGAGGCTTTGAGTGTGGGGGGTGTCCCCAAGGAAGACTCACTTCCTTCCTCCCCA-3'
Protein context (NP_036320.2, residues 181-201): FKKVPRDEDD[Pro191=]GKGNYWTLDP

ClinVar aggregate classification (germline): Uncertain significance (1 of 4 stars; one submission).

Allele frequency attached by ClinVar (database versions not stated): ExAC 0.00004; gnomAD 0.00004; TOPMed 0.00004; gnomAD exomes 0.00005; ESP Exome Variant Server 0.00023.
gnomAD v4.1: 86 of 1,614,102 alleles (0.0053%); highest among the groups gnomAD compares: Non-Finnish European, 0.0068%; no homozygotes.

Submission:

Labcorp Genetics (formerly Invitae), Labcorp
Classification: Uncertain significance. Last evaluated: 2022-08-15. Review status: criteria provided, single submitter. Criteria: Invitae Variant Classification Sherloc (09022015). Collection method: clinical testing. Allele origin: germline.
Comment: This variant is present in population databases (rs200309754, gnomAD 0.006%). In summary, the available evidence is currently insufficient to determine the role of this variant in disease. Therefore, it has been classified as a Variant of Uncertain Significance. Algorithms developed to predict the effect of sequence changes on RNA splicing suggest that this variant is not likely to affect RNA splicing. This variant has not been reported in the literature in individuals affected with FOXI1-related conditions. This sequence change affects codon 191 of the FOXI1 mRNA. It is a 'silent' change, meaning that it does not change the encoded amino acid sequence of the FOXI1 protein. It affects a nucleotide within the consensus splice site.